The following is an entry in ClinVar:

NM_002522.4(NPTX1):c.539G>T (p.Arg180Leu)

Gene: NPTX1 (neuronal pentraxin 1; minus strand). Cytogenetic location: 17q25.3.
Variant type: single nucleotide variant.
Coding change: c.539G>T on transcript NM_002522.4 (MANE Select); coding-DNA position 539, G replaced by T.
Protein change: p.Arg180Leu; replaces arginine 180 with leucine.
Molecular consequence: missense variant.
Genome position (GRCh38, 1-based): chr17:80,475,624, C>A on the plus strand (G>T on the coding strand, the complement: NPTX1 is on the minus strand). VCF-style: chr17-80475624-C-A. GRCh37 (hg19) VCF-style: chr17-78449424-C-A.
Other names: short protein forms R180L.
Identifiers: ClinVar variation 2692519 (VCV002692519.2), dbSNP rs2509779738, ClinGen allele CA401390121.

ClinVar aggregate classification (germline): Likely pathogenic (1 of 4 stars; one submission).

Conditions:
Spinocerebellar ataxia 50 (SCA50). Identifiers: MedGen C5774272, MONDO:0859334, OMIM 620158.

Submission:

Greenwood Genetic Center Diagnostic Laboratories, Greenwood Genetic Center
Classification: Likely pathogenic for Spinocerebellar ataxia 50. Last evaluated: 2024-01-22. Review status: criteria provided, single submitter. Criteria: ACMG Guidelines, 2015. Collection method: clinical testing. Allele origin: germline. Affected: yes.
Comment: PS2, PM2